The following is an entry in ClinVar:

ClinVar aggregate classification (germline): Uncertain significance. Review status: criteria provided, multiple submitters, no conflicts (2 of 4 stars). 3 submissions from 3 submitters: Uncertain significance (3). Last evaluated 2025-06-10.

Conditions:
Muscular dystrophy-dystroglycanopathy (congenital with brain and eye anomalies), type A, 7. Also called: WALKER-WARBURG SYNDROME OR MUSCLE-EYE-BRAIN DISEASE, ISPD-RELATED; Congenital muscular dystrophy-dystroglycanopathy with brain and eye anomalies, type A7. Identifiers: Orphanet 899, MedGen C3553330, MONDO:0013835, OMIM 614643.
Autosomal recessive limb-girdle muscular dystrophy type 2U. Also called: Muscular dystrophy-dystroglycanopathy (limb-girdle), type c, 7; MUSCULAR DYSTROPHY, LIMB-GIRDLE, TYPE 2U. Identifiers: Orphanet 352479, MedGen C5190987, MONDO:0014474, OMIM 616052.

Allele frequency attached by ClinVar (database versions not stated): gnomAD exomes below 0.00001; ExAC 0.00001; gnomAD 0.00001 and 0.00002; TOPMed 0.00003; 1000 Genomes Project 30x 0.00016; 1000 Genomes Project 0.00020.
gnomAD v4.1: 4 of 1,604,564 alleles (0.00025%); highest among the groups gnomAD compares: African/African-American, 0.0027%; no homozygotes.

Submissions (3):

Revvity Omics, Revvity
Classification: Uncertain significance. Last evaluated: 2025-06-10. Review status: criteria provided, single submitter. Criteria: ACMG Guidelines, 2015. Collection method: clinical testing. Allele origin: germline.

Ambry Genetics
Classification: Uncertain significance. Last evaluated: 2024-03-16. Review status: criteria provided, single submitter. Criteria: Ambry Variant Classification Scheme 2023. Collection method: clinical testing. Allele origin: germline.

Labcorp Genetics (formerly Invitae), Labcorp
Classification: Uncertain significance for Muscular dystrophy-dystroglycanopathy (congenital with brain and eye anomalies), type A, 7; Autosomal recessive limb-girdle muscular dystrophy type 2U. Last evaluated: 2022-07-19. Review status: criteria provided, single submitter. Criteria: Invitae Variant Classification Sherloc (09022015). Collection method: clinical testing. Allele origin: germline.
Comment: This sequence change replaces histidine, which is basic and polar, with arginine, which is basic and polar, at codon 312 of the ISPD protein (p.His312Arg). This variant is present in population databases (rs555932095, gnomAD 0.007%). In summary, the available evidence is currently insufficient to determine the role of this variant in disease. Therefore, it has been classified as a Variant of Uncertain Significance. Algorithms developed to predict the effect of missense changes on protein structure and function (SIFT, PolyPhen-2, Align-GVGD) all suggest that this variant is likely to be tolerated. ClinVar contains an entry for this variant (Variation ID: 1680762). This variant has not been reported in the literature in individuals affected with ISPD-related conditions.

NM_001101426.4(CRPPA):c.935A>G (p.His312Arg)

Genes: CRPPA-AS1 (CRPPA antisense RNA 1; plus strand), CRPPA (CDP-L-ribitol pyrophosphorylase A; minus strand). Cytogenetic location: 7p21.2.
Variant type: single nucleotide variant.
Coding change: c.935A>G on transcript NM_001101426.4 (MANE Select); coding-DNA position 935, A replaced by G.
Protein change: p.His312Arg; replaces histidine 312 with arginine.
Molecular consequence: missense variant. On other transcripts: non-coding transcript variant (1).
Genome position (GRCh38, 1-based): chr7:16,259,011, T>C on the plus strand (A>G on the coding strand, the complement: CRPPA is on the minus strand). VCF-style: chr7-16259011-T-C. GRCh37 (hg19) VCF-style: chr7-16298636-T-C.
Other names: c.935A>G (NM_001101426.3); c.785A>G, p.His262Arg (NM_001101417.4); c.830A>G, p.His277Arg (NM_001368197.1); short protein forms H262R, H277R, H312R.
Identifiers: ClinVar variation 1680762 (VCV001680762.10), dbSNP rs555932095, ClinGen allele CA4169436.